The following is an entry in ClinVar:

ClinVar aggregate classification (germline): Likely benign (1 of 4 stars; one submission).

Allele frequency attached by ClinVar (database versions not stated): gnomAD exomes 0.00568; ExAC 0.00023.

Submission:

GeneDx
Classification: Likely benign. Last evaluated: 2018-06-18. Review status: criteria provided, single submitter. Criteria: GeneDx Variant Classification (06012015). Collection method: clinical testing. Allele origin: germline. Affected: yes.
Comment: This variant is considered likely benign or benign based on one or more of the following criteria: it is a conservative change, it occurs at a poorly conserved position in the protein, it is predicted to be benign by multiple in silico algorithms, and/or has population frequency not consistent with disease.

NM_017617.5(NOTCH1):c.2467+28A>G

Gene: NOTCH1 (notch receptor 1; minus strand). Cytogenetic location: 9q34.3.
Variant type: single nucleotide variant.
Coding change: c.2467+28A>G on transcript NM_017617.5 (MANE Select); 28 bases into the intron after coding-DNA position 2467, A replaced by G.
Molecular consequence: intron variant.
Genome position (GRCh38, 1-based): chr9:136,512,993, T>C on the plus strand (A>G on the coding strand, the complement: NOTCH1 is on the minus strand). VCF-style: chr9-136512993-T-C. GRCh37 (hg19) VCF-style: chr9-139407445-T-C.
Identifiers: ClinVar variation 681006 (VCV000681006.1), dbSNP rs996243745, ClinGen allele CA5341336.